The following is an entry in ClinVar:

NM_005585.5(SMAD6):c.569C>T (p.Thr190Met)

Gene: SMAD6 (SMAD family member 6; plus strand). Cytogenetic location: 15q22.31.
Variant type: single nucleotide variant.
Coding change: c.569C>T on transcript NM_005585.5 (MANE Select); coding-DNA position 569, C replaced by T.
Protein change: p.Thr190Met; replaces threonine 190 with methionine.
Molecular consequence: missense variant. On other transcripts: non-coding transcript variant (1).
Genome position (GRCh38, 1-based): chr15:66,703,827, C>T. VCF-style: chr15-66703827-C-T. GRCh37 (hg19) VCF-style: chr15-66996165-C-T.
Other names: short protein forms T190M.
Identifiers: ClinVar variation 1033010 (VCV001033010.1), dbSNP rs1893040158, ClinGen allele CA392949811.

ClinVar aggregate classification (germline): Uncertain significance (1 of 4 stars; one submission).

Conditions:
Aortic valve disease 2 (AOVD2). Identifiers: MedGen C3542024, MONDO:0013902, OMIM 614823.

gnomAD v4.1: 2 of 1,417,598 alleles (0.00014%); highest among the groups gnomAD compares: Non-Finnish European, 0.000093%; no homozygotes.

Submission:

Baylor Genetics
Classification: Uncertain significance for Aortic valve disease 2. Last evaluated: 2018-08-15. Review status: criteria provided, single submitter. Criteria: ACMG Guidelines, 2015. Collection method: clinical testing. Allele origin: unknown. Affected: yes.
Comment: This variant was determined to be of uncertain significance according to ACMG Guidelines, 2015 [PMID:25741868].